The following is an entry in ClinVar:

NM_012144.4(DNAI1):c.683G>A (p.Trp228Ter)

Gene: DNAI1 (dynein axonemal intermediate chain 1; plus strand). Cytogenetic location: 9p13.3.
Variant type: single nucleotide variant.
Coding change: c.683G>A on transcript NM_012144.4 (MANE Select); coding-DNA position 683, G replaced by A.
Protein change: p.Trp228Ter; replaces tryptophan 228 with a stop codon.
Molecular consequence: nonsense.
Genome position (GRCh38, 1-based): chr9:34,493,195, G>A. VCF-style: chr9-34493195-G-A. GRCh37 (hg19) VCF-style: chr9-34493193-G-A.
Other names: c.695G>A, p.Trp232Ter (NM_001281428.2); short protein forms W232*, W228*.
Identifiers: ClinVar variation 2751489 (VCV002751489.3), dbSNP rs1824643950, ClinGen allele CA373248908.

ClinVar aggregate classification (germline): Pathogenic (1 of 4 stars; one submission).

Conditions:
Primary ciliary dyskinesia. Also called: Ciliary dyskinesia. Identifiers: Orphanet 244, MedGen C0008780, MONDO:0016575, HP:0012265.

Allele frequency attached by ClinVar (database versions not stated): gnomAD exomes below 0.00001.
gnomAD v4.1: 1 of 1,614,176 alleles (0.000062%); highest among the groups gnomAD compares: Non-Finnish European, 0.000085%; no homozygotes.

Submission:

Labcorp Genetics (formerly Invitae), Labcorp
Classification: Pathogenic for Primary ciliary dyskinesia. Last evaluated: 2023-08-18. Review status: criteria provided, single submitter. Criteria: Invitae Variant Classification Sherloc (09022015). Collection method: clinical testing. Allele origin: germline.
Comment: This variant is not present in population databases (gnomAD no frequency). This variant has not been reported in the literature in individuals affected with DNAI1-related conditions. Algorithms developed to predict the effect of sequence changes on RNA splicing suggest that this variant may create or strengthen a splice site. For these reasons, this variant has been classified as Pathogenic. This sequence change creates a premature translational stop signal (p.Trp228*) in the DNAI1 gene. It is expected to result in an absent or disrupted protein product. Loss-of-function variants in DNAI1 are known to be pathogenic (PMID: 16858015, 29363216).

Literature cited by the submitters: PubMed 16858015; PubMed 29363216.